The following is an entry in ClinVar:

ClinVar aggregate classification (germline): Likely pathogenic (1 of 4 stars; one submission).

Conditions:
Multiple endocrine neoplasia, type 1 (MEN1). Also called: MEN I; WERMER SYNDROME; Endocrine adenomatosis multiple; MEN 1; MEA I. Identifiers: Orphanet 652, MedGen C0025267, MeSH D018761, MONDO:0007540, OMIM 131100.

Submission:

Labcorp Genetics (formerly Invitae), Labcorp
Classification: Likely pathogenic for Multiple endocrine neoplasia, type 1. Last evaluated: 2023-07-16. Review status: criteria provided, single submitter. Criteria: Invitae Variant Classification Sherloc (09022015). Collection method: clinical testing. Allele origin: germline.
Comment: In summary, the currently available evidence indicates that the variant is pathogenic, but additional data are needed to prove that conclusively. Therefore, this variant has been classified as Likely Pathogenic. This variant disrupts the p.Arg542 amino acid residue in MEN1. Other variant(s) that disrupt this residue have been determined to be pathogenic (PMID: 29036195; Invitae). This suggests that this residue is clinically significant, and that variants that disrupt this residue are likely to be disease-causing. Advanced modeling of protein sequence and biophysical properties (such as structural, functional, and spatial information, amino acid conservation, physicochemical variation, residue mobility, and thermodynamic stability) performed at Invitae indicates that this missense variant is expected to disrupt MEN1 protein function. This variant has not been reported in the literature in individuals affected with MEN1-related conditions. This variant is not present in population databases (gnomAD no frequency). This sequence change replaces arginine, which is basic and polar, with glycine, which is neutral and non-polar, at codon 452 of the MEN1 protein (p.Arg452Gly).

Literature cited by the submitters: PubMed 29036195.

NM_001370259.2(MEN1):c.1354C>G (p.Arg452Gly)

Gene: MEN1 (menin 1; minus strand). Cytogenetic location: 11q13.1.
Variant type: single nucleotide variant.
Coding change: c.1354C>G on transcript NM_001370259.2 (MANE Select); coding-DNA position 1354, C replaced by G.
Protein change: p.Arg452Gly; replaces arginine 452 with glycine.
Molecular consequence: missense variant. On other transcripts: non-coding transcript variant (4).
Genome position (GRCh38, 1-based): chr11:64,804,813, G>C on the plus strand (C>G on the coding strand, the complement: MEN1 is on the minus strand). VCF-style: chr11-64804813-G-C. GRCh37 (hg19) VCF-style: chr11-64572285-G-C.
Other names: c.1354C>G, p.Arg452Gly (NM_001370260.2, NM_001370261.2, NM_001407146.1 and 2 more transcripts); c.1249C>G, p.Arg417Gly (NM_001370262.2, NM_001370263.2, NM_001407148.1 and 1 more transcripts); c.1480C>G, p.Arg494Gly (NM_001407142.1, NM_001407143.1, NM_001407144.1 and 1 more transcripts); c.1369C>G, p.Arg457Gly (NM_001407145.1, NM_000244.4, NM_130801.3 and 4 more transcripts); c.1495C>G, p.Arg499Gly (NM_001407150.1); c.1375C>G, p.Arg459Gly (NM_001407151.1); c.1189C>G, p.Arg397Gly (NM_001407152.1); short protein forms R417G, R494G, R499G, R452G, R457G, R459G, R397G.
Identifiers: ClinVar variation 2987184 (VCV002987184.3), dbSNP rs863224810, ClinGen allele CA381179937.